The following is an entry in ClinVar:

ClinVar aggregate classification (germline): Conflicting classifications of pathogenicity. Review status: criteria provided, conflicting classifications (1 of 4 stars). 4 submissions from 4 submitters: Uncertain significance (1); Benign (1); Likely benign (1). 1 of the submissions does not count toward it. Last evaluated 2026-01-24.

Conditions:
ARHGAP24-related disorder. Also called: ARHGAP24-related condition.

Allele frequency attached by ClinVar (database versions not stated): gnomAD exomes 0.00014; ExAC 0.00040; ESP Exome Variant Server 0.00062; gnomAD 0.00120; TOPMed 0.00153; 1000 Genomes Project 0.00160; 1000 Genomes Project 30x 0.00187.
gnomAD v4.1: 403 of 1,613,828 alleles (0.025%); highest among the groups gnomAD compares: African/African-American, 0.42%; no homozygotes.

Submissions (4):

Labcorp Genetics (formerly Invitae), Labcorp
Classification: Benign. Last evaluated: 2026-01-24. Review status: criteria provided, single submitter. Criteria: Invitae Variant Classification Sherloc (09022015). Collection method: clinical testing. Allele origin: germline.

GeneDx
Classification: Uncertain significance. Last evaluated: 2025-03-28. Review status: criteria provided, single submitter. Criteria: GeneDx Variant Classification Process June 2021. Collection method: clinical testing. Allele origin: germline. Affected: yes.
Comment: In silico analysis indicates that this variant does not alter splicing; Has not been previously published as pathogenic or benign to our knowledge

Blueprint Genetics
Classification: Likely benign. Last evaluated: 2024-11-26. Review status: criteria provided, single submitter. Criteria: ACMG Guidelines, 2015. Collection method: clinical testing. Allele origin: germline.

PreventionGenetics, part of Exact Sciences
Classification: Likely benign for ARHGAP24-related condition. Last evaluated: 2019-04-11. Review status: no assertion criteria provided. Collection method: clinical testing. Allele origin: germline. Not counted in ClinVar's aggregate classification.
Comment: This variant is classified as likely benign based on ACMG/AMP sequence variant interpretation guidelines (Richards et al. 2015 PMID: 25741868, with internal and published modifications).

NM_001025616.3(ARHGAP24):c.621G>A (p.Val207=)

Gene: ARHGAP24 (Rho GTPase activating protein 24; plus strand). Cytogenetic location: 4q21.23.
Variant type: single nucleotide variant.
Coding change: c.621G>A on transcript NM_001025616.3 (MANE Select); coding-DNA position 621, G replaced by A.
Protein change: p.Val207=; no amino-acid change (valine 207 retained).
Molecular consequence: synonymous variant.
Genome position (GRCh38, 1-based): chr4:85,972,057, G>A. VCF-style: chr4-85972057-G-A. GRCh37 (hg19) VCF-style: chr4-86893210-G-A.
Other names: c.621G>A (NM_001025616.2); c.336G>A, p.Val112= (NM_001042669.2); c.366G>A, p.Val122= (NM_001287805.2); c.42G>A, p.Val14= (NM_001346093.2); c.342G>A, p.Val114= (NM_031305.3).
Identifiers: ClinVar variation 2047645 (VCV002047645.8), dbSNP rs74779744, ClinGen allele CA2994546.
Genomic context (GRCh38, chr4:85,972,057, plus strand): 5'-TTTACTCCAAAGAATATCTTCACACTTCTGTCTCCACAGCAACACAGATGTACACACGGT[G>A]GCATCACTTCTTAAGCTGTACCTCCGAGAACTTCCAGAACCAGTTATTCCTTATGCGAAG-3'
Protein context (NP_001020787.2, residues 197-217): SFDSNTDVHT[Val207=]ASLLKLYLRE